The following is an entry in ClinVar:

NM_001008537.3(NEXMIF):c.2029T>G (p.Ser677Ala)

Gene: NEXMIF (neurite extension and migration factor; minus strand). Cytogenetic location: Xq13.3.
Variant type: single nucleotide variant.
Coding change: c.2029T>G on transcript NM_001008537.3 (MANE Select); coding-DNA position 2029, T replaced by G.
Protein change: p.Ser677Ala; replaces serine 677 with alanine.
Molecular consequence: missense variant.
Genome position (GRCh38, 1-based): chrX:74,742,528, A>C on the plus strand (T>G on the coding strand, the complement: NEXMIF is on the minus strand). VCF-style: chrX-74742528-A-C. GRCh37 (hg19) VCF-style: chrX-73962363-A-C.
Other names: short protein forms S677A.
Identifiers: ClinVar variation 4686374 (VCV004686374.1).

ClinVar aggregate classification (germline): Uncertain significance (1 of 4 stars; one submission).

Submission:

GeneDx
Classification: Uncertain significance. Last evaluated: 2025-07-17. Review status: criteria provided, single submitter. Criteria: GeneDx Variant Classification Process June 2021. Collection method: clinical testing. Allele origin: germline. Affected: yes.
Comment: Not observed at significant frequency in large population cohorts (gnomAD); In silico analysis suggests that this missense variant does not alter protein structure/function; Has not been previously published as pathogenic or benign to our knowledge